The following is an entry in ClinVar:

ClinVar aggregate classification (germline): Uncertain significance (1 of 4 stars; one submission).

Allele frequency attached by ClinVar (database versions not stated): TOPMed below 0.00001.
gnomAD v4.1: 1 of 1,602,708 alleles (0.000062%); highest among the groups gnomAD compares: Non-Finnish European, 0.000085%; no homozygotes.

Submission:

GeneDx
Classification: Uncertain significance. Last evaluated: 2020-04-28. Review status: criteria provided, single submitter. Criteria: GeneDx Variant Classification Process June 2021. Collection method: clinical testing. Allele origin: germline. Affected: yes.
Comment: Not observed in large population cohorts (Lek et al., 2016); In silico analysis, which includes protein predictors and evolutionary conservation, supports a deleterious effect; Has not been previously published as pathogenic or benign to our knowledge

NM_015570.4(AUTS2):c.3361C>G (p.Pro1121Ala)

Gene: AUTS2 (activator of transcription and developmental regulator AUTS2; plus strand). Cytogenetic location: 7q11.22.
Variant type: single nucleotide variant.
Coding change: c.3361C>G on transcript NM_015570.4 (MANE Select); coding-DNA position 3361, C replaced by G.
Protein change: p.Pro1121Ala; replaces proline 1121 with alanine.
Molecular consequence: missense variant.
Genome position (GRCh38, 1-based): chr7:70,790,577, C>G. VCF-style: chr7-70790577-C-G. GRCh37 (hg19) VCF-style: chr7-70255563-C-G.
Other names: c.3289C>G, p.Pro1097Ala (NM_001127231.3); short protein forms P1097A, P1121A.
Identifiers: ClinVar variation 1204620 (VCV001204620.3), dbSNP rs1791861815, ClinGen allele CA367666031.